The following is an entry in ClinVar:

NM_001130144.3(LTBP3):c.678C>A (p.Pro226=)

Gene: LTBP3 (latent transforming growth factor beta binding protein 3; minus strand). Cytogenetic location: 11q13.1.
Variant type: single nucleotide variant.
Coding change: c.678C>A on transcript NM_001130144.3 (MANE Select); coding-DNA position 678, C replaced by A.
Protein change: p.Pro226=; no amino-acid change (proline 226 retained).
Molecular consequence: synonymous variant.
Genome position (GRCh38, 1-based): chr11:65,553,887, G>T on the plus strand (C>A on the coding strand, the complement: LTBP3 is on the minus strand). VCF-style: chr11-65553887-G-T. GRCh37 (hg19) VCF-style: chr11-65321358-G-T.
Other names: c.327C>A, p.Pro109= (NM_001164266.1); c.678C>A, p.Pro226= (NM_021070.4).
Identifiers: ClinVar variation 4999275 (VCV004999275.1).

ClinVar aggregate classification (germline): Likely benign (1 of 4 stars; one submission).

Conditions:
LTBP3-related disorder. Also called: LTBP3-related condition.

Submission:

PreventionGenetics, part of Exact Sciences
Classification: Likely benign for LTBP3-related condition. Last evaluated: 2025-04-29. Review status: criteria provided, single submitter. Criteria: ACMG Guidelines, 2015. Collection method: clinical testing. Allele origin: germline.
Comment: This variant is classified as likely benign based on ACMG/AMP sequence variant interpretation guidelines (Richards et al. 2015 PMID: 25741868, with internal and published modifications).